The following is an entry in ClinVar:

NM_000282.4(PCCA):c.430G>A (p.Gly144Arg)

Gene: PCCA (propionyl-CoA carboxylase subunit alpha; plus strand). Cytogenetic location: 13q32.3.
Variant type: single nucleotide variant.
Coding change: c.430G>A on transcript NM_000282.4 (MANE Select); coding-DNA position 430, G replaced by A.
Protein change: p.Gly144Arg; replaces glycine 144 with arginine.
Molecular consequence: missense variant. On other transcripts: 5 prime UTR variant (3), non-coding transcript variant (5).
Genome position (GRCh38, 1-based): chr13:100,157,302, G>A. VCF-style: chr13-100157302-G-A. GRCh37 (hg19) VCF-style: chr13-100809556-G-A.
Other names: c.352G>A, p.Gly118Arg (NM_001127692.3, NM_001352607.2, NM_001352608.2); c.430G>A, p.Gly144Arg (NM_001178004.2, NM_001352605.2, NM_001352606.2 and 1 more transcripts); c.-437G>A (NM_001352610.2, NM_001352611.2, NM_001352612.2); short protein forms G118R, G144R.
Identifiers: ClinVar variation 4751204 (VCV004751204.2).
Genomic context (GRCh38, chr13:100,157,302, plus strand): 5'-TGCAATATGATAAAATTGAAAGTGCTTTTTGCTTTCATTTCTAAGGTACATCCAGGTTAT[G>A]GATTCCTTTCAGAAAACAAAGAATTTGCCAGATGTTTGGTAAGTTGGTAATGAACCAGAA-3'
Protein context (NP_000273.2, residues 134-154): TRAQAVHPGY[Gly144Arg]FLSENKEFAR

ClinVar aggregate classification (germline): Uncertain significance. Review status: criteria provided, multiple submitters, no conflicts (2 of 4 stars). 2 submissions from 2 submitters: Uncertain significance (2). Last evaluated 2025-08-19.

Conditions:
Propionic acidemia (PROP). Also called: GLYCINEMIA, KETOTIC; HYPERGLYCINEMIA WITH KETOACIDOSIS AND LEUKOPENIA; KETOTIC HYPERGLYCINEMIA. Identifiers: Orphanet 35, MedGen C0268579, MONDO:0011628, OMIM 606054, HP:0003571.

Submissions (2):

Labcorp Genetics (formerly Invitae), Labcorp
Classification: Uncertain significance for Propionic acidemia. Last evaluated: 2025-08-19. Review status: criteria provided, single submitter. Criteria: Invitae Variant Classification Sherloc (09022015). Collection method: clinical testing. Allele origin: germline.
Comment: This sequence change replaces glycine, which is neutral and non-polar, with arginine, which is basic and polar, at codon 144 of the PCCA protein (p.Gly144Arg). This variant is not present in population databases (gnomAD no frequency). This variant has not been reported in the literature in individuals affected with PCCA-related conditions. Invitae Evidence Modeling of protein sequence and biophysical properties (such as structural, functional, and spatial information, amino acid conservation, physicochemical variation, residue mobility, and thermodynamic stability) indicates that this missense variant is expected to disrupt PCCA protein function with a positive predictive value of 95%. In summary, the available evidence is currently insufficient to determine the role of this variant in disease. Therefore, it has been classified as a Variant of Uncertain Significance.

Blueprint Genetics
Classification: Uncertain significance. Last evaluated: 2023-03-03. Review status: criteria provided, single submitter. Criteria: ACMG Guidelines, 2015. Collection method: clinical testing. Allele origin: germline.